The following is an entry in ClinVar:

NM_000525.4(KCNJ11):c.149G>T (p.Arg50Leu)

Gene: KCNJ11 (potassium inwardly rectifying channel subfamily J member 11; minus strand). Cytogenetic location: 11p15.1.
Variant type: single nucleotide variant.
Coding change: c.149G>T on transcript NM_000525.4 (MANE Select); coding-DNA position 149, G replaced by T.
Protein change: p.Arg50Leu; replaces arginine 50 with leucine.
Molecular consequence: missense variant. On other transcripts: intron variant (3).
Genome position (GRCh38, 1-based): chr11:17,387,943, C>A on the plus strand (G>T on the coding strand, the complement: KCNJ11 is on the minus strand). VCF-style: chr11-17387943-C-A. GRCh37 (hg19) VCF-style: chr11-17409490-C-A.
Other names: c.-16-97G>T (NM_001166290.2, NM_001377297.1); c.-17+75G>T (NM_001377296.1); short protein forms R50L.
Identifiers: ClinVar variation 1679512 (VCV001679512.1), dbSNP rs80356611, ClinGen allele CA379776349.
Genomic context (GRCh38, chr11:17,387,943, plus strand): 5'-TGTGGCCACTTGAGGTCCACCAGCGTGGTGAACACGTCCTGCAGGAAGCGGCCCTGCTCC[C>A]GGATGTTCTTGTGGGCCACGTTGCAGTTGCCTTTCTTGGACACAAAGCGGGCCCTCCGCT-3'
Protein context (NP_000516.3, residues 40-60): GNCNVAHKNI[Arg50Leu]EQGRFLQDVF

ClinVar aggregate classification (germline): Likely risk allele (1 of 4 stars; one submission).

Conditions:
Transitory neonatal diabetes mellitus. Also called: Transient neonatal diabetes mellitus. Identifiers: MedGen C0342273, MONDO:0020525, HP:0008255.

Allele frequency attached by ClinVar (database versions not stated): gnomAD exomes below 0.00001.
gnomAD v4.1: 2 of 1,611,852 alleles (0.00012%); highest among the groups gnomAD compares: African/African-American, 0.0027%; no homozygotes.

Submission:

Clinical Genomics, Uppaluri K&H Personalized Medicine Clinic
Classification: Likely risk allele for Transitory neonatal diabetes mellitus. Review status: criteria provided, single submitter. Criteria: K & H Uppaluri Personalized Medicine Clinic Variant Classification & Assertion Criteria_Updated V.1. Collection method: research. Allele origin: somatic. Inheritance: Autosomal dominant inheritance. Affected: yes.
Comment: Mutations in KCNJ11 gene can cause decreased production and secretion of insulin. This can lead to MODY which may be responsive to oral sulfonylureas. This particular variant (rs80356611) is associated with DEND syndrome.

Literature cited by the submitters: PubMed 25678012; PubMed 25739471.